The following is an entry in ClinVar:

ClinVar aggregate classification (germline): Conflicting classifications of pathogenicity. Review status: criteria provided, conflicting classifications (1 of 4 stars). 6 submissions from 6 submitters: Pathogenic (2); Likely pathogenic (1); Uncertain significance (1). 2 of the submissions do not count toward it. Last evaluated 2025-05-04.

Conditions:
Moyamoya disease with early-onset achalasia (MYMY6). Also called: MOYAMOYA DISEASE 6 WITH OR WITHOUT ACHALASIA. Identifiers: Orphanet 401945, MedGen C3810403, MONDO:0014331, OMIM 615750.
Moyamoya disease 1. Also called: SPONTANEOUS OCCLUSION OF THE CIRCLE OF WILLIS; MYMY1. Identifiers: Orphanet 2573, MedGen C2931384, MONDO:0009649, OMIM 252350.

Submissions (6):

Labcorp Genetics (formerly Invitae), Labcorp
Classification: Pathogenic. Last evaluated: 2025-05-04. Review status: criteria provided, single submitter. Criteria: Invitae Variant Classification Sherloc (09022015). Collection method: clinical testing. Allele origin: germline.
Comment: This sequence change creates a premature translational stop signal (p.Glu112Argfs*3) in the GUCY1A1 gene. It is expected to result in an absent or disrupted protein product. Loss-of-function variants in GUCY1A1 are known to be pathogenic (PMID: 24581742). This variant is present in population databases (rs781020381, gnomAD 0.04%). This premature translational stop signal has been observed in individual(s) with Moyamoya disease (PMID: 26777256). ClinVar contains an entry for this variant (Variation ID: 559598). For these reasons, this variant has been classified as Pathogenic.

Department of Pathology and Laboratory Medicine, Sinai Health System
Classification: Likely pathogenic for Moyamoya disease with early-onset achalasia. Last evaluated: 2023-01-12. Review status: criteria provided, single submitter. Criteria: ACMG Guidelines, 2015. Collection method: research. Allele origin: germline.

Ambry Genetics
Classification: Pathogenic. Last evaluated: 2021-05-18. Review status: criteria provided, single submitter. Criteria: Ambry Variant Classification Scheme 2023. Collection method: clinical testing. Allele origin: germline.
Comment: The c.334_335delGA (p.E112Rfs*3) alteration, located in exon 5 (coding exon 3) of the GUCY1A3 gene, consists of a deletion of 2 nucleotides from position 334 to 335, causing a translational frameshift with a predicted alternate stop codon after 3 amino acids. This alteration is expected to result in loss of function by premature protein truncation or nonsense-mediated mRNA decay. Based on data from the Genome Aggregation Database (gnomAD) database, the GUCY1A3 c.334_335delGA alteration was observed in 0.007% (17/248,772) of total alleles studied, with a frequency of 0.04% (13/33,908) in the Latino subpopulation. The patient had two strokes, dysphagia, hypertension, and a brain MRI showing evidence of bilateral middle cerebral artery infarcts and generalized volume loss. Based on the available evidence, this alteration is classified as pathogenic.

Laboratorio de Genetica e Diagnostico Molecular, Hospital Israelita Albert Einstein
Classification: Uncertain significance. Last evaluated: 2021-04-26. Review status: criteria provided, single submitter. Criteria: ACMG Guidelines, 2015. Collection method: clinical testing. Allele origin: germline. Affected: yes.
Comment: ACMG classification criteria: PS4, PM2, PM3

OMIM
Classification: Pathogenic for MOYAMOYA DISEASE 6. Last evaluated: 2018-08-16. Review status: no assertion criteria provided. Collection method: literature only. Allele origin: germline. Not counted in ClinVar's aggregate classification.

University of Washington Center for Mendelian Genomics, University of Washington
Classification: Pathogenic for Moyamoya disease 1. Review status: no assertion criteria provided. Collection method: research. Allele origin: unknown. Affected: yes. Not counted in ClinVar's aggregate classification.

Literature cited by the submitters: PubMed 24581742 (cited by Labcorp Genetics (formerly Invitae), Labcorp); PubMed 26777256 (cited by 4 submitters).

NM_001130682.3(GUCY1A1):c.334_335del (p.Glu112fs)

Gene: GUCY1A1 (guanylate cyclase 1 soluble subunit alpha 1; plus strand). Cytogenetic location: 4q32.1.
Variant type: Microsatellite.
Coding change: c.334_335del on transcript NM_001130682.3 (MANE Select); coding-DNA positions 334 to 335, 2 bases deleted (GA; older notation c.334_335delGA).
Protein change: p.Glu112fs; shifts the reading frame from glutamic acid 112.
Molecular consequence: frameshift variant. On other transcripts: 5 prime UTR variant (1).
Genome position (GRCh38, 1-based): chr4:155,708,252-155,708,253, GA deleted; deleting any 2 consecutive bases within chr4:155,708,249-155,708,253 gives the same sequence; the c. name uses the placement nearest the transcript's 3' end. VCF-style (leftmost placement, unchanged base first): chr4-155708248-AAG-A. GRCh37 (hg19) VCF-style: chr4-156629400-AAG-A.
Other names: c.331_332del (NM_000856.6); c.334_335del, p.Glu112fs (NM_000856.6, NM_001130683.4, NM_001130684.3 and 13 more transcripts); c.-374GA[1] (NM_001130685.3); c.334_335delGA (NM_001130683.2); short protein forms E112fs.
Identifiers: ClinVar variation 559598 (VCV000559598.6), dbSNP rs781020381, ClinGen allele CA3117148.
Genomic context (GRCh38, chr4:155,708,248, plus strand): 5'-TAGCATGTATTTATAAGTTTATAACTTAAAATATTGAAATATTTCCAGGAAATCTTTGGA[AAG>A]AGAAGACTTTGAAAAAACAATTGCAGAGCAAGCAGTTGCAGCAGGTAATAGAATTGTTTA-3'